The following is an entry in ClinVar:

ClinVar aggregate classification (germline): Uncertain significance (1 of 4 stars; one submission).

Conditions:
Hereditary cancer-predisposing syndrome. Also called: Tumor predisposition; Hereditary neoplastic syndrome; Neoplastic Syndromes, Hereditary; Hereditary Cancer Syndrome. Identifiers: Orphanet 140162, MedGen C0027672, MeSH D009386, MONDO:0015356.

Submission:

Ambry Genetics
Classification: Uncertain significance for Hereditary cancer-predisposing syndrome. Last evaluated: 2025-05-18. Review status: criteria provided, single submitter. Criteria: Ambry Variant Classification Scheme 2023. Collection method: clinical testing. Allele origin: germline.
Comment: The p.P750R variant (also known as c.2249C>G), located in coding exon 9 of the AXIN2 gene, results from a C to G substitution at nucleotide position 2249. The proline at codon 750 is replaced by arginine, an amino acid with dissimilar properties. This amino acid position is conserved. In addition, this alteration is predicted to be tolerated by in silico analysis. Based on the available evidence, the clinical significance of this variant remains unclear.

NM_004655.4(AXIN2):c.2249C>G (p.Pro750Arg)

Gene: AXIN2 (axin 2; minus strand). Cytogenetic location: 17q24.1.
Variant type: single nucleotide variant.
Coding change: c.2249C>G on transcript NM_004655.4 (MANE Select); coding-DNA position 2249, C replaced by G.
Protein change: p.Pro750Arg; replaces proline 750 with arginine.
Molecular consequence: missense variant.
Genome position (GRCh38, 1-based): chr17:65,534,068, G>C on the plus strand (C>G on the coding strand, the complement: AXIN2 is on the minus strand). VCF-style: chr17-65534068-G-C. GRCh37 (hg19) VCF-style: chr17-63530186-G-C.
Other names: c.2054C>G, p.Pro685Arg (NM_001363813.1); short protein forms P685R, P750R.
Identifiers: ClinVar variation 3981109 (VCV003981109.1).